The following is an entry in ClinVar:

ClinVar aggregate classification (germline): Uncertain significance. Review status: criteria provided, multiple submitters, no conflicts (2 of 4 stars). 4 submissions from 4 submitters: Uncertain significance (4). Last evaluated 2024-10-07.

Conditions:
Dystonic disorder. Also called: Dystonia. Identifiers: MedGen C0013421, MONDO:0003441, HP:0001332.
Dopa-responsive dystonia due to sepiapterin reductase deficiency. Also called: SPR DEFICIENCY; Sepiapterin reductase deficiency; DYT-SPR. Identifiers: Orphanet 70594, MedGen C0268468, MONDO:0012994, OMIM 612716.
Inborn genetic diseases. Identifiers: MedGen C0950123, MeSH D030342.

Allele frequency attached by ClinVar (database versions not stated): gnomAD 0.00001; TOPMed 0.00001; gnomAD exomes 0.00002.

Submissions (4):

Blueprint Genetics
Classification: Uncertain significance. Last evaluated: 2024-10-07. Review status: criteria provided, single submitter. Criteria: ACMG Guidelines, 2015. Collection method: clinical testing. Allele origin: germline.

Revvity Omics, Revvity
Classification: Uncertain significance for Dopa-responsive dystonia due to sepiapterin reductase deficiency. Last evaluated: 2023-08-23. Review status: criteria provided, single submitter. Criteria: ACMG Guidelines, 2015. Collection method: clinical testing. Allele origin: germline.

Ambry Genetics
Classification: Uncertain significance for Inborn genetic diseases. Last evaluated: 2022-12-28. Review status: criteria provided, single submitter. Criteria: Ambry Variant Classification Scheme 2023. Collection method: clinical testing. Allele origin: germline.

Labcorp Genetics (formerly Invitae), Labcorp
Classification: Uncertain significance for Dystonic disorder. Last evaluated: 2022-10-12. Review status: criteria provided, single submitter. Criteria: Invitae Variant Classification Sherloc (09022015). Collection method: clinical testing. Allele origin: germline.
Comment: This sequence change replaces serine, which is neutral and polar, with phenylalanine, which is neutral and non-polar, at codon 35 of the SPR protein (p.Ser35Phe). This variant is not present in population databases (gnomAD no frequency). This variant has not been reported in the literature in individuals affected with SPR-related conditions. Advanced modeling of protein sequence and biophysical properties (such as structural, functional, and spatial information, amino acid conservation, physicochemical variation, residue mobility, and thermodynamic stability) performed at Invitae indicates that this missense variant is expected to disrupt SPR protein function. In summary, the available evidence is currently insufficient to determine the role of this variant in disease. Therefore, it has been classified as a Variant of Uncertain Significance.

NM_003124.5(SPR):c.104C>T (p.Ser35Phe)

Genes: SPR (sepiapterin reductase; plus strand), LOC129934069 (ATAC-STARR-seq lymphoblastoid silent region 11626; plus strand). Cytogenetic location: 2p13.2.
Variant type: single nucleotide variant.
Coding change: c.104C>T on transcript NM_003124.5 (MANE Select); coding-DNA position 104, C replaced by T.
Protein change: p.Ser35Phe; replaces serine 35 with phenylalanine.
Molecular consequence: missense variant.
Genome position (GRCh38, 1-based): chr2:72,887,536, C>T. VCF-style: chr2-72887536-C-T. GRCh37 (hg19) VCF-style: chr2-73114665-C-T.
Other names: c.104C>T (NM_003124.4); short protein forms S35F.
Identifiers: ClinVar variation 2157021 (VCV002157021.4), dbSNP rs752546466, ClinGen allele CA1708905.